The following is an entry in ClinVar:

ClinVar aggregate classification (germline): Uncertain significance (1 of 4 stars; one submission).

Allele frequency attached by ClinVar (database versions not stated): gnomAD exomes below 0.00001.
gnomAD v4.1: 6 of 1,612,856 alleles (0.00037%); highest among the groups gnomAD compares: Non-Finnish European, 0.00051%; no homozygotes.

Submission:

Labcorp Genetics (formerly Invitae), Labcorp
Classification: Uncertain significance. Last evaluated: 2023-04-11. Review status: criteria provided, single submitter. Criteria: Invitae Variant Classification Sherloc (09022015). Collection method: clinical testing. Allele origin: germline.
Comment: In summary, the available evidence is currently insufficient to determine the role of this variant in disease. Therefore, it has been classified as a Variant of Uncertain Significance. Advanced modeling of protein sequence and biophysical properties (such as structural, functional, and spatial information, amino acid conservation, physicochemical variation, residue mobility, and thermodynamic stability) performed at Invitae indicates that this missense variant is not expected to disrupt GABRB1 protein function. This variant has not been reported in the literature in individuals affected with GABRB1-related conditions. This variant is present in population databases (no rsID available, gnomAD 0.0009%). This sequence change replaces phenylalanine, which is neutral and non-polar, with tyrosine, which is neutral and polar, at codon 123 of the GABRB1 protein (p.Phe123Tyr).

NM_000812.4(GABRB1):c.368T>A (p.Phe123Tyr)

Gene: GABRB1 (gamma-aminobutyric acid type A receptor subunit beta1; plus strand). Cytogenetic location: 4p12.
Variant type: single nucleotide variant.
Coding change: c.368T>A on transcript NM_000812.4 (MANE Select); coding-DNA position 368, T replaced by A.
Protein change: p.Phe123Tyr; replaces phenylalanine 123 with tyrosine.
Molecular consequence: missense variant.
Genome position (GRCh38, 1-based): chr4:47,161,376, T>A. VCF-style: chr4-47161376-T-A. GRCh37 (hg19) VCF-style: chr4-47163393-T-A.
Other names: short protein forms F123Y.
Identifiers: ClinVar variation 2855243 (VCV002855243.3), dbSNP rs1407138843, ClinGen allele CA356805982.